The following is an entry in ClinVar:

ClinVar aggregate classification (germline): Uncertain significance. Review status: criteria provided, multiple submitters, no conflicts (2 of 4 stars). 2 submissions from 2 submitters: Uncertain significance (2). Last evaluated 2024-05-15.

Conditions:
Inborn genetic diseases. Identifiers: MedGen C0950123, MeSH D030342.

Allele frequency attached by ClinVar (database versions not stated): gnomAD exomes below 0.00001.
gnomAD v4.1: 1 of 1,614,190 alleles (0.000062%); highest among the groups gnomAD compares: Non-Finnish European, 0.000085%; no homozygotes.

Submissions (2):

Athena Diagnostics
Classification: Uncertain significance. Last evaluated: 2024-05-15. Review status: criteria provided, single submitter. Criteria: Athena Diagnostics Criteria. Collection method: clinical testing. Allele origin: unknown.
Comment: Available data are insufficient to determine the clinical significance of the variant at this time. This variant has not been reported in large, multi-ethnic general populations. Polyphen and MutationTaster predict this amino acid change may be damaging to the protein.

Ambry Genetics
Classification: Uncertain significance for Inborn genetic diseases. Last evaluated: 2023-08-02. Review status: criteria provided, single submitter. Criteria: Ambry Variant Classification Scheme 2023. Collection method: clinical testing. Allele origin: germline.

NM_015046.7(SETX):c.4490T>A (p.Phe1497Tyr)

Gene: SETX (senataxin; minus strand). Cytogenetic location: 9q34.13.
Variant type: single nucleotide variant.
Coding change: c.4490T>A on transcript NM_015046.7 (MANE Select); coding-DNA position 4490, T replaced by A.
Protein change: p.Phe1497Tyr; replaces phenylalanine 1497 with tyrosine.
Molecular consequence: missense variant.
Genome position (GRCh38, 1-based): chr9:132,327,108, A>T on the plus strand (T>A on the coding strand, the complement: SETX is on the minus strand). VCF-style: chr9-132327108-A-T. GRCh37 (hg19) VCF-style: chr9-135202495-A-T.
Other names: c.4490T>A, p.Phe1497Tyr (NM_001351527.2, NM_001351528.2); short protein forms F1497Y.
Identifiers: ClinVar variation 2615278 (VCV002615278.3), dbSNP rs2539095212, ClinGen allele CA375326101.